The following is an entry in ClinVar:

NM_001379659.1(ZNF142):c.1375C>T (p.Arg459Cys)

Gene: ZNF142 (zinc finger protein 142; minus strand). Cytogenetic location: 2q35.
Variant type: single nucleotide variant.
Coding change: c.1375C>T on transcript NM_001379659.1 (MANE Select); coding-DNA position 1375, C replaced by T.
Protein change: p.Arg459Cys; replaces arginine 459 with cysteine.
Molecular consequence: missense variant.
Genome position (GRCh38, 1-based): chr2:218,649,133, G>A on the plus strand (C>T on the coding strand, the complement: ZNF142 is on the minus strand). VCF-style: chr2-218649133-G-A. GRCh37 (hg19) VCF-style: chr2-219513856-G-A.
Other names: c.1375C>T, p.Arg459Cys (NM_001379660.1, NM_001379661.1, NM_001366290.3); c.775C>T, p.Arg259Cys (NM_001379662.1, NM_001105537.5, NM_001366291.3); c.286C>T, p.Arg96Cys (NM_001366287.3, NM_001366288.3, NM_001366289.3); short protein forms R96C, R459C, R259C.
Identifiers: ClinVar variation 1030153 (VCV001030153.1), dbSNP rs763899662, ClinGen allele CA2109388.
Genomic context (GRCh38, chr2:218,649,133, plus strand): 5'-CTGCTGCCGTGTGGCTCTTGAGGTGCTCCTTTAGGGCCTGGCTGAGGCGGAATTCCTCAC[G>A]GCAGACAGGACAGGCATAGGTGTCTGAGTAGAAGTTGGAAATATCTTCATGCATGCTGGC-3'
Protein context (NP_001366588.1, residues 449-469): YSDTYACPVC[Arg459Cys]EEFRLSQALK

ClinVar aggregate classification (germline): Uncertain significance (1 of 4 stars; one submission).

Conditions:
Neurodevelopmental disorder with impaired speech and hyperkinetic movements. Identifiers: MedGen C5193088, MONDO:0032741, OMIM 618425.

Allele frequency attached by ClinVar (database versions not stated): gnomAD 0.00001; ExAC 0.00011; TOPMed below 0.00001; gnomAD exomes 0.00006.

Submission:

Baylor Genetics
Classification: Uncertain significance for Neurodevelopmental disorder with impaired speech and hyperkinetic movements. Last evaluated: 2020-06-10. Review status: criteria provided, single submitter. Criteria: ACMG Guidelines, 2015. Collection method: clinical testing. Allele origin: unknown. Affected: yes.
Comment: This variant was determined to be of uncertain significance according to ACMG Guidelines, 2015 [PMID:25741868].